The following is an entry in ClinVar:

ClinVar aggregate classification (germline): Uncertain significance. Review status: criteria provided, multiple submitters, no conflicts (2 of 4 stars). 2 submissions from 2 submitters: Uncertain significance (2). Last evaluated 2025-05-27.

Conditions:
Bethlem myopathy 1A. Also called: Bethlem myopathy 1; Bethlem Muscular Dystrophy; MYOPATHY, BENIGN CONGENITAL, WITH CONTRACTURES. Identifiers: Orphanet 610, MedGen CN029274, MONDO:0024530, OMIM 158810.
COL6A2-related disorder.

Allele frequency attached by ClinVar (database versions not stated): gnomAD exomes below 0.00001; TOPMed 0.00001.
gnomAD v4.1: 1 of 1,609,542 alleles (0.000062%); highest among the groups gnomAD compares: Non-Finnish European, 0.000085%; no homozygotes.

Submissions (2):

Department of Paediatrics at Addenbrookes, Cambridge University Hospitals NHS Foundation Trust (UK)
Classification: Uncertain significance for COL6A2-related disorder. Last evaluated: 2025-05-27. Review status: criteria provided, single submitter. Criteria: Durkie Uk Practice Guidelines For Variant Classification V12 2024 (1). Collection method: clinical testing. Allele origin: unknown.
Comment: PM2_Moderate; PP3_Supporting

Labcorp Genetics (formerly Invitae), Labcorp
Classification: Uncertain significance for Bethlem myopathy 1A. Last evaluated: 2024-01-12. Review status: criteria provided, single submitter. Criteria: Invitae Variant Classification Sherloc (09022015). Collection method: clinical testing. Allele origin: germline.
Comment: This sequence change replaces aspartic acid, which is acidic and polar, with asparagine, which is neutral and polar, at codon 162 of the COL6A2 protein (p.Asp162Asn). This variant is not present in population databases (gnomAD no frequency). This variant has not been reported in the literature in individuals affected with COL6A2-related conditions. ClinVar contains an entry for this variant (Variation ID: 659563). Advanced modeling of protein sequence and biophysical properties (such as structural, functional, and spatial information, amino acid conservation, physicochemical variation, residue mobility, and thermodynamic stability) performed at Invitae indicates that this missense variant is expected to disrupt COL6A2 protein function with a positive predictive value of 80%. In summary, the available evidence is currently insufficient to determine the role of this variant in disease. Therefore, it has been classified as a Variant of Uncertain Significance.

NM_001849.4(COL6A2):c.484G>A (p.Asp162Asn)

Gene: COL6A2 (collagen type VI alpha 2 chain; plus strand). Cytogenetic location: 21q22.3.
Variant type: single nucleotide variant.
Coding change: c.484G>A on transcript NM_001849.4 (MANE Select); coding-DNA position 484, G replaced by A.
Protein change: p.Asp162Asn; replaces aspartic acid 162 with asparagine.
Molecular consequence: missense variant.
Genome position (GRCh38, 1-based): chr21:46,112,347, G>A. VCF-style: chr21-46112347-G-A. GRCh37 (hg19) VCF-style: chr21-47532261-G-A.
Other names: c.484G>A, p.Asp162Asn (NM_058174.3, NM_058175.3); short protein forms D162N.
Identifiers: ClinVar variation 659563 (VCV000659563.10), dbSNP rs1216448596, ClinGen allele CA410521760.
Genomic context (GRCh38, chr21:46,112,347, plus strand): 5'-ACGGAGCAGATCCGGCAGGACCGCAGCAAGGGCACCGTCCACTTCGCCGTGGTCATCACC[G>A]ACGGCCACGTCACCGGCAGCCCCTGCGGGGGCATCAAGCTGCAGGCCGAGCGGGCCCGCG-3'
Protein context (NP_001840.3, residues 152-172): GTVHFAVVIT[Asp162Asn]GHVTGSPCGG